The following is an entry in ClinVar:

ClinVar aggregate classification (germline): Uncertain significance (1 of 4 stars; one submission).

Conditions:
Hereditary cancer-predisposing syndrome. Also called: Neoplastic Syndromes, Hereditary; Tumor predisposition; Hereditary Cancer Syndrome; Hereditary neoplastic syndrome. Identifiers: Orphanet 140162, MedGen C0027672, MeSH D009386, MONDO:0015356.

Submission:

Color Diagnostics, LLC DBA Color Health
Classification: Uncertain significance for Hereditary cancer-predisposing syndrome. Last evaluated: 2023-10-30. Review status: criteria provided, single submitter. Criteria: ACMG Guidelines, 2015. Collection method: clinical testing. Allele origin: germline.
Comment: This variant causes an insertion of 6 basepairs, c.4596_4601dup, in exon 14 in the BRCA1 gene, resulting in the in-frame duplication of two amino acids, Asp1533 and Val1534, in a region of protein with no known functional domain. To our knowledge, functional studies have not been reported for this variant. This variant has not been reported in individuals affected with BRCA1-related disorders in the literature. This variant has not been identified in the general population by the Genome Aggregation Database (gnomAD). The available evidence is insufficient to determine the role of this variant in disease conclusively. Therefore, this variant is classified as a Variant of Uncertain Significance.

NM_007294.4(BRCA1):c.4596_4601dup (p.Val1534_Glu1535insAspVal)

Gene: BRCA1 (BRCA1 DNA repair associated; minus strand). Cytogenetic location: 17q21.31.
Variant type: Duplication.
Coding change: c.4596_4601dup on transcript NM_007294.4 (MANE Select); coding-DNA positions 4596 to 4601, 6 bases duplicated (TGATGT; older notation c.4596_4601dupTGATGT).
Protein change: p.Val1534_Glu1535insAspVal.
Molecular consequence: inframe insertion. On other transcripts: inframe indel (1), intron variant (3).
Genome position (GRCh38, 1-based): chr17:43,074,405-43,074,410, ACATCA duplicated on the plus strand (TGATGT on the coding strand, the reverse complement: BRCA1 is on the minus strand); duplicating any 6 consecutive bases within chr17:43,074,405-43,074,413 gives the same sequence; the c. name uses the placement nearest the transcript's 3' end. VCF-style (leftmost placement, unchanged base first): chr17-43074404-C-CACATCA. GRCh37 (hg19) VCF-style: chr17-41226421-C-CACATCA.
Other names: c.4380_4385dup, p.Val1462_Glu1463insAspVal (NM_001407917.1, NM_001407918.1, NM_001407915.1 and 1 more transcripts); c.4473_4478dup, p.Val1493_Glu1494insAspVal (NM_001407919.1, NM_001407664.1, NM_001407665.1 and 6 more transcripts); c.4332_4337dup, p.Val1446_Glu1447insAspVal (NM_001407920.1, NM_001407921.1, NM_001407925.1 and 4 more transcripts); c.4329_4334dup, p.Val1445_Glu1446insAspVal (NM_001407927.1, NM_001407928.1, NM_001407929.1 and 4 more transcripts); c.4590_4595dup, p.Val1532_Glu1533insAspVal (NM_001407639.1, NM_001407640.1, NM_001407641.1 and 14 more transcripts); c.4587_4592dup, p.Val1531_Glu1532insAspVal (NM_001407644.1, NM_001407645.1); c.4584_4589dup, p.Val1530_Glu1531insAspVal (NM_001407646.1); c.4581_4586dup, p.Val1529_Glu1530insAspVal (NM_001407647.1); and 72 more.
Identifiers: ClinVar variation 2774833 (VCV002774833.2), dbSNP rs2551469605, ClinGen allele CA2697559972.